The following is an entry in ClinVar:

ClinVar aggregate classification (germline): Pathogenic (1 of 4 stars; one submission).

Conditions:
Hereditary cancer-predisposing syndrome. Also called: Tumor predisposition; Hereditary Cancer Syndrome; Neoplastic Syndromes, Hereditary; Hereditary neoplastic syndrome. Identifiers: Orphanet 140162, MedGen C0027672, MeSH D009386, MONDO:0015356.

Submission:

Molecular Diagnostics Laboratory, Catalan Institute of Oncology
Classification: Pathogenic for Hereditary cancer-predisposing syndrome. Last evaluated: 2024-09-02. Review status: criteria provided, single submitter. Criteria: ClinGen CDH1 ACMG Specifications CDH1 V3.1.0. Collection method: clinical testing. Allele origin: germline.
Comment: PVS1, PM2_Supporting, PM5_Supporting c.139G>T, located in exon 2 of the CDH1 gene, is expected to result in loss of function by premature protein truncation and nonsense-mediated mRNA decay, p.(Glu47*)(PVS1, PM5_Supporting). It is not present in the population database gnomAD v2.1.1, non cancer dataset (PM2_supporting). The SpliceAI algorithm predicts no significant impact on splicing. To our knowledge, neither relevant clinical data nor functional studies have been reported for this variant. This variant has not been identified neither ClinVar nor LOVD databases. Based on currently available information, the variant c.139G>T is classified as pathogenic variant according to ClinGen-CDH1 Guidelines version 3.1.

NM_004360.5(CDH1):c.139G>T (p.Glu47Ter)

Gene: CDH1 (cadherin 1; plus strand). Cytogenetic location: 16q22.1.
Variant type: single nucleotide variant.
Coding change: c.139G>T on transcript NM_004360.5 (MANE Select); coding-DNA position 139, G replaced by T.
Protein change: p.Glu47Ter; replaces glutamic acid 47 with a stop codon.
Molecular consequence: nonsense. On other transcripts: 5 prime UTR variant (2).
Genome position (GRCh38, 1-based): chr16:68,738,387, G>T. VCF-style: chr16-68738387-G-T. GRCh37 (hg19) VCF-style: chr16-68772290-G-T.
Other names: c.139G>T, p.Glu47Ter (NM_001317184.2); c.-1477G>T (NM_001317185.2); c.-1681G>T (NM_001317186.2); short protein forms E47*.
Identifiers: ClinVar variation 3774416 (VCV003774416.1).